The following is an entry in ClinVar:

ClinVar aggregate classification (germline): Uncertain significance (1 of 4 stars; one submission).

Submission:

Labcorp Genetics (formerly Invitae), Labcorp
Classification: Uncertain significance. Last evaluated: 2023-05-11. Review status: criteria provided, single submitter. Criteria: Invitae Variant Classification Sherloc (09022015). Collection method: clinical testing. Allele origin: germline.
Comment: In summary, the available evidence is currently insufficient to determine the role of this variant in disease. Therefore, it has been classified as a Variant of Uncertain Significance. Advanced modeling of protein sequence and biophysical properties (such as structural, functional, and spatial information, amino acid conservation, physicochemical variation, residue mobility, and thermodynamic stability) performed at Invitae indicates that this missense variant is not expected to disrupt ANK3 protein function. This variant has not been reported in the literature in individuals affected with ANK3-related conditions. This variant is not present in population databases (gnomAD no frequency). This sequence change replaces serine, which is neutral and polar, with arginine, which is basic and polar, at codon 3979 of the ANK3 protein (p.Ser3979Arg).

NM_020987.5(ANK3):c.11937C>A (p.Ser3979Arg)

Gene: ANK3 (ankyrin 3; minus strand). Cytogenetic location: 10q21.2.
Variant type: single nucleotide variant.
Coding change: c.11937C>A on transcript NM_020987.5 (MANE Select); coding-DNA position 11937, C replaced by A.
Protein change: p.Ser3979Arg; replaces serine 3979 with arginine.
Molecular consequence: missense variant. On other transcripts: intron variant (4).
Genome position (GRCh38, 1-based): chr10:60,068,944, G>T on the plus strand (C>A on the coding strand, the complement: ANK3 is on the minus strand). VCF-style: chr10-60068944-G-T. GRCh37 (hg19) VCF-style: chr10-61828702-G-T.
Other names: c.4388-935C>A (NM_001204403.2); c.4409-935C>A (NM_001204404.2); c.4406-935C>A (NM_001320874.2); c.1808-935C>A (NM_001149.4); short protein forms S3979R.
Identifiers: ClinVar variation 2793580 (VCV002793580.3), dbSNP rs2492507502, ClinGen allele CA376995646.